The following is an entry in ClinVar:

NM_005850.5(SF3B4):c.1060dup (p.Arg354fs)

Gene: SF3B4 (splicing factor 3b subunit 4; minus strand). Cytogenetic location: 1q21.2.
Variant type: Duplication.
Coding change: c.1060dup on transcript NM_005850.5 (MANE Select); coding-DNA position 1060, one base duplicated (C; older notation c.1060dupC).
Protein change: p.Arg354fs; shifts the reading frame from arginine 354.
Molecular consequence: frameshift variant.
Genome position (GRCh38, 1-based): chr1:149,923,868, G duplicated on the plus strand (C on the coding strand, the reverse complement: SF3B4 is on the minus strand); the first of 7 consecutive G bases (chr1:149,923,868-149,923,874); duplicating any one gives the same sequence. VCF-style (leftmost placement, unchanged base first): chr1-149923867-C-CG. GRCh37 (hg19) VCF-style: chr1-149895759-C-CG.
Other names: short protein forms R354fs.
Identifiers: ClinVar variation 208831 (VCV000208831.5), dbSNP rs782357237, ClinGen allele CA204935.

ClinVar aggregate classification (germline): Conflicting classifications of pathogenicity. Review status: criteria provided, conflicting classifications (1 of 4 stars). 3 submissions from 3 submitters: Pathogenic (1); Benign (1). 1 of the submissions does not count toward it. Last evaluated 2023-08-03.

Conditions:
Nager syndrome (AFD1). Also called: MANDIBULOFACIAL DYSOSTOSIS, TREACHER COLLINS TYPE, WITH LIMB ANOMALIES; Nager acrofacial dysostosis; Nager acrofacial dysostosis syndrome; Acrofacial Dysostosis 1, Nager Type. Identifiers: Orphanet 245, MedGen C0265245, MONDO:0007943, OMIM 154400.

Submissions (3):

Labcorp Genetics (formerly Invitae), Labcorp
Classification: Pathogenic. Last evaluated: 2023-08-03. Review status: criteria provided, single submitter. Criteria: Invitae Variant Classification Sherloc (09022015). Collection method: clinical testing. Allele origin: germline.
Comment: For these reasons, this variant has been classified as Pathogenic. ClinVar contains an entry for this variant (Variation ID: 208831). This frameshift has been observed in individual(s) with Nager syndrome (PMID: 22541558, 24003905, 27622494). In at least one individual the variant was observed to be de novo. The frequency data for this variant in the population databases is considered unreliable, as metrics indicate poor data quality at this position in the gnomAD database. This sequence change results in a frameshift in the SF3B4 gene (p.Arg354Profs*132). While this is not anticipated to result in nonsense mediated decay, it is expected to disrupt the last 71 amino acid(s) of the SF3B4 protein and extend the protein by 60 additional amino acid residues.

Mendelics
Classification: Benign. Last evaluated: 2022-05-04. Review status: criteria provided, single submitter. Criteria: Mendelics Assertion Criteria 2019. Collection method: clinical testing. Allele origin: germline.

Clinical Genetics Research Group, University of Calgary
Classification: Pathogenic for Nager syndrome. Last evaluated: 2012-09-07. Review status: no assertion criteria provided. Collection method: research. Allele origin: de novo. Affected: yes. Not counted in ClinVar's aggregate classification.

Literature cited by the submitters: PubMed 22541558 (cited by Labcorp Genetics (formerly Invitae), Labcorp and Clinical Genetics Research Group, University of Calgary); PubMed 24003905 (cited by Labcorp Genetics (formerly Invitae), Labcorp); PubMed 27622494 (cited by Labcorp Genetics (formerly Invitae), Labcorp).